The following is an entry in ClinVar:

ClinVar aggregate classification (germline): Conflicting classifications of pathogenicity. Review status: criteria provided, conflicting classifications (1 of 4 stars). 4 submissions from 4 submitters: Uncertain significance (2); Likely benign (2). Last evaluated 2025-12-22.

Conditions:
Inborn genetic diseases. Identifiers: MedGen C0950123, MeSH D030342.

Allele frequency attached by ClinVar (database versions not stated): TOPMed 0.00011; ExAC 0.00012; gnomAD exomes 0.00012; ESP Exome Variant Server 0.00016; gnomAD 0.00005.
gnomAD v4.1: 96 of 1,611,512 alleles (0.006%); highest among the groups gnomAD compares: Middle Eastern, 0.05%; 1 homozygote.

Submissions (4):

Labcorp Genetics (formerly Invitae), Labcorp
Classification: Likely benign. Last evaluated: 2025-12-22. Review status: criteria provided, single submitter. Criteria: Invitae Variant Classification Sherloc (09022015). Collection method: clinical testing. Allele origin: germline.

GeneDx
Classification: Uncertain significance. Last evaluated: 2025-02-03. Review status: criteria provided, single submitter. Criteria: GeneDx Variant Classification Process June 2021. Collection method: clinical testing. Allele origin: germline. Affected: yes.
Comment: In silico analysis indicates that this missense variant does not alter protein structure/function; Has not been previously published as pathogenic or benign to our knowledge

Blueprint Genetics
Classification: Uncertain significance. Last evaluated: 2024-09-23. Review status: criteria provided, single submitter. Criteria: ACMG Guidelines, 2015. Collection method: clinical testing. Allele origin: germline.

Ambry Genetics
Classification: Likely benign for Inborn genetic diseases. Last evaluated: 2023-02-15. Review status: criteria provided, single submitter. Criteria: Ambry Variant Classification Scheme 2023. Collection method: clinical testing. Allele origin: germline.

NM_000275.3(OCA2):c.40G>A (p.Ala14Thr)

Gene: OCA2 (OCA2 melanosomal transmembrane protein; minus strand). Cytogenetic location: 15q13.1.
Variant type: single nucleotide variant.
Coding change: c.40G>A on transcript NM_000275.3 (MANE Select); coding-DNA position 40, G replaced by A.
Protein change: p.Ala14Thr; replaces alanine 14 with threonine.
Molecular consequence: missense variant.
Genome position (GRCh38, 1-based): chr15:28,081,835, C>T on the plus strand (G>A on the coding strand, the complement: OCA2 is on the minus strand). VCF-style: chr15-28081835-C-T. GRCh37 (hg19) VCF-style: chr15-28326981-C-T.
Other names: c.40G>A, p.Ala14Thr (NM_001300984.2); c.40G>A (NM_000275.2); short protein forms A14T.
Identifiers: ClinVar variation 1657360 (VCV001657360.12), dbSNP rs368928996, ClinGen allele CA7439612.